The following is an entry in ClinVar:

NM_001379081.2(FREM1):c.4916T>A (p.Val1639Glu)

Gene: FREM1 (FRAS1 related extracellular matrix 1; minus strand). Cytogenetic location: 9p22.3.
Variant type: single nucleotide variant.
Coding change: c.4916T>A on transcript NM_001379081.2 (MANE Select); coding-DNA position 4916, T replaced by A.
Protein change: p.Val1639Glu; replaces valine 1639 with glutamic acid.
Molecular consequence: missense variant. On other transcripts: non-coding transcript variant (2).
Genome position (GRCh38, 1-based): chr9:14,770,748, A>T on the plus strand (T>A on the coding strand, the complement: FREM1 is on the minus strand). VCF-style: chr9-14770748-A-T. GRCh37 (hg19) VCF-style: chr9-14770746-A-T.
Other names: c.524T>A, p.Val175Glu (NM_001177704.3, NM_001370058.2, NM_001370061.2); c.4916T>A, p.Val1639Glu (NM_144966.7); short protein forms V175E, V1639E.
Identifiers: ClinVar variation 1994122 (VCV001994122.4), dbSNP rs1388947490, ClinGen allele CA372963055.

ClinVar aggregate classification (germline): Uncertain significance (1 of 4 stars; one submission).

gnomAD v4.1: 1 of 1,613,538 alleles (0.000062%); highest among the groups gnomAD compares: Non-Finnish European, 0.000085%; no homozygotes.

Submission:

Labcorp Genetics (formerly Invitae), Labcorp
Classification: Uncertain significance. Last evaluated: 2022-05-13. Review status: criteria provided, single submitter. Criteria: Invitae Variant Classification Sherloc (09022015). Collection method: clinical testing. Allele origin: germline.
Comment: This variant is not present in population databases (gnomAD no frequency). In summary, the available evidence is currently insufficient to determine the role of this variant in disease. Therefore, it has been classified as a Variant of Uncertain Significance. Algorithms developed to predict the effect of missense changes on protein structure and function are either unavailable or do not agree on the potential impact of this missense change (SIFT: "Deleterious"; PolyPhen-2: "Possibly Damaging"; Align-GVGD: "Class C0"). This variant has not been reported in the literature in individuals affected with FREM1-related conditions. This sequence change replaces valine, which is neutral and non-polar, with glutamic acid, which is acidic and polar, at codon 1639 of the FREM1 protein (p.Val1639Glu).